The following is an entry in ClinVar:

NM_004360.5(CDH1):c.1009-13G>C

Gene: CDH1 (cadherin 1; plus strand). Cytogenetic location: 16q22.1.
Variant type: single nucleotide variant.
Coding change: c.1009-13G>C on transcript NM_004360.5 (MANE Select); 13 bases into the intron before coding-DNA position 1009, G replaced by C.
Molecular consequence: intron variant.
Genome position (GRCh38, 1-based): chr16:68,812,122, G>C. VCF-style: chr16-68812122-G-C. GRCh37 (hg19) VCF-style: chr16-68846025-G-C.
Other names: c.-607-13G>C (NM_001317185.2); c.-811-13G>C (NM_001317186.2); c.1009-13G>C (NM_001317184.2).
Identifiers: ClinVar variation 3379312 (VCV003379312.3).

ClinVar aggregate classification (germline): Likely benign. Review status: criteria provided, multiple submitters, no conflicts (2 of 4 stars). 2 submissions from 2 submitters: Likely benign (2). Last evaluated 2024-09-17.

Conditions:
Hereditary diffuse gastric adenocarcinoma (HDGC). Also called: DIFFUSE GASTRIC AND LOBULAR BREAST CANCER SYNDROME. Identifiers: Orphanet 26106, MedGen C1708349, MONDO:0007648, OMIM 137215.

Submissions (2):

Myriad Genetics, Inc.
Classification: Likely benign for Hereditary diffuse gastric adenocarcinoma. Last evaluated: 2024-09-17. Review status: criteria provided, single submitter. Criteria: Myriad Autosomal Dominant, Autosomal Recessive and X-Linked Classification Criteria (2023). Collection method: clinical testing. Allele origin: unknown.
Comment: This variant is considered likely benign. This variant is intronic and is not expected to impact mRNA splicing.

Labcorp Genetics (formerly Invitae), Labcorp
Classification: Likely benign for Hereditary diffuse gastric adenocarcinoma. Last evaluated: 2024-04-13. Review status: criteria provided, single submitter. Criteria: Invitae Variant Classification Sherloc (09022015). Collection method: clinical testing. Allele origin: germline.